The following is an entry in ClinVar:

NM_001163435.3(TBCK):c.674C>T (p.Thr225Ile)

Gene: TBCK (TBC1 domain containing kinase; minus strand). Cytogenetic location: 4q24.
Variant type: single nucleotide variant.
Coding change: c.674C>T on transcript NM_001163435.3 (MANE Select); coding-DNA position 674, C replaced by T.
Protein change: p.Thr225Ile; replaces threonine 225 with isoleucine.
Molecular consequence: missense variant.
Genome position (GRCh38, 1-based): chr4:106,248,967, G>A on the plus strand (C>T on the coding strand, the complement: TBCK is on the minus strand). VCF-style: chr4-106248967-G-A. GRCh37 (hg19) VCF-style: chr4-107170124-G-A.
Other names: c.674C>T, p.Thr225Ile (NM_001163436.4); c.557C>T, p.Thr186Ile (NM_001163437.3); c.158C>T, p.Thr53Ile (NM_001290768.2); c.485C>T, p.Thr162Ile (NM_033115.5); short protein forms T186I, T162I, T53I, T225I.
Identifiers: ClinVar variation 1495516 (VCV001495516.8), dbSNP rs1383178106, ClinGen allele CA357825168.

ClinVar aggregate classification (germline): Uncertain significance (1 of 4 stars; one submission).

gnomAD v4.1: 3 of 1,606,004 alleles (0.00019%); highest among the groups gnomAD compares: African/African-American, 0.004%; no homozygotes.

Submission:

Labcorp Genetics (formerly Invitae), Labcorp
Classification: Uncertain significance. Last evaluated: 2021-06-05. Review status: criteria provided, single submitter. Criteria: Invitae Variant Classification Sherloc (09022015). Collection method: clinical testing. Allele origin: germline.
Comment: This sequence change replaces threonine with isoleucine at codon 225 of the TBCK protein (p.Thr225Ile). The threonine residue is weakly conserved and there is a moderate physicochemical difference between threonine and isoleucine. This variant is not present in population databases (ExAC no frequency). This variant has not been reported in the literature in individuals with TBCK-related conditions. Algorithms developed to predict the effect of missense changes on protein structure and function (SIFT, PolyPhen-2, Align-GVGD) all suggest that this variant is likely to be tolerated, but these predictions have not been confirmed by published functional studies and their clinical significance is uncertain. In summary, the available evidence is currently insufficient to determine the role of this variant in disease. Therefore, it has been classified as a Variant of Uncertain Significance.